The following is an entry in ClinVar:

NM_007294.4(BRCA1):c.5406+12G>T

Gene: BRCA1 (BRCA1 DNA repair associated; minus strand). Cytogenetic location: 17q21.31.
Variant type: single nucleotide variant.
Coding change: c.5406+12G>T on transcript NM_007294.4 (MANE Select); 12 bases into the intron after coding-DNA position 5406, G replaced by T.
Molecular consequence: intron variant.
Genome position (GRCh38, 1-based): chr17:43,049,109, C>A on the plus strand (G>T on the coding strand, the complement: BRCA1 is on the minus strand). VCF-style: chr17-43049109-C-A. GRCh37 (hg19) VCF-style: chr17-41201126-C-A.
Other names: c.1830+12G>T (NM_001408504.1, NM_001408503.1, NM_001408502.1); c.1953+12G>T (NM_001408463.1, NM_001408462.1, NM_001408458.1 and 7 more transcripts); c.5259+12G>T (NM_001407847.1, NM_001407841.1, NM_001407838.1 and 12 more transcripts); c.5262+12G>T (NM_001407740.1, NM_001407739.1, NM_001407741.1 and 18 more transcripts); c.1833+12G>T (NM_001408499.1, NM_001408498.1, NM_001408501.1 and 3 more transcripts); c.5139+12G>T (NM_001407933.1, NM_001407927.1, NM_001407931.1 and 4 more transcripts); c.5142+12G>T (NM_001407923.1, NM_001407922.1, NM_001407925.1 and 4 more transcripts); c.5265+12G>T (NM_001407725.1, NM_001407727.1, NM_001407724.1 and 12 more transcripts); and 84 more.
Identifiers: ClinVar variation 628000 (VCV000628000.16), dbSNP rs1555575069, ClinGen allele CA913187710.

ClinVar aggregate classification (germline): Likely benign. Review status: criteria provided, multiple submitters, no conflicts (2 of 4 stars). 2 submissions from 2 submitters: Likely benign (2). Last evaluated 2019-10-27.

Conditions:
Hereditary breast ovarian cancer syndrome. Also called: Hereditary breast and ovarian cancer syndrome (HBOC); Hereditary breast and ovarian cancer; BRCA1- and BRCA2-Associated Hereditary Breast and Ovarian Cancer; Breast and ovarian cancer; Hereditary breast and ovarian cancer syndrome; Hereditary breast and/or ovarian cancer syndrome. Identifiers: Orphanet 145, MedGen C0677776, MeSH D061325, MONDO:0003582. Disease mechanism: loss of function.
Hereditary cancer-predisposing syndrome. Also called: Hereditary neoplastic syndrome; Tumor predisposition; Hereditary Cancer Syndrome; Neoplastic Syndromes, Hereditary. Identifiers: Orphanet 140162, MedGen C0027672, MeSH D009386, MONDO:0015356.

Submissions (3):

Labcorp Genetics (formerly Invitae), Labcorp
Classification: Likely benign for Hereditary breast ovarian cancer syndrome. Last evaluated: 2019-10-27. Review status: criteria provided, single submitter. Criteria: Invitae Variant Classification Sherloc (09022015). Collection method: clinical testing. Allele origin: germline.

Color Diagnostics, LLC DBA Color Health
Classification: Likely benign for Hereditary cancer-predisposing syndrome. Last evaluated: 2018-03-20. Review status: criteria provided, single submitter. Criteria: ACMG Guidelines, 2015. Collection method: clinical testing. Allele origin: germline.

Brotman Baty Institute, University of Washington
No classification provided (evidence only). Condition: Breast-ovarian cancer, familial 1. Review status: no classification provided. Collection method: in vitro. Allele origin: not applicable. Functional consequence: functionally_normal. Not counted in ClinVar's aggregate classification.
ClinVar note: "not provided" was previously submitted as the classification for the variant. However, the classification appeared to be based only on an observation of functional data so it was converted to no classification on 2025-07-30.